The following is an entry in ClinVar:

ClinVar aggregate classification (germline): Pathogenic (1 of 4 stars; one submission).

Conditions:
Congenital hyperammonemia, type I. Also called: Carbamoyl phosphate synthetase I deficiency disease; Carbamoyl phosphate synthetase 1 deficiency; Hyperammonemia due to carbamoyl phosphate synthetase 1 deficiency; CPS 1 deficiency; Carbamyl phosphate synthetase (CPS) deficiency; Carbamoyl-phosphate synthase I deficiency. Identifiers: Orphanet 147, MedGen C4082171, MONDO:0009376, OMIM 237300.

Submission:

The Laboratory of Genetics and Metabolism, Hunan Children’s Hospital
Classification: Pathogenic for Congenital hyperammonemia, type I. Last evaluated: 2021-03-06. Review status: criteria provided, single submitter. Criteria: ACMG Guidelines, 2015. Collection method: research. Allele origin: maternal. Affected: yes. Observed: 1 variant allele.
Comment: In compound heterozygosity following autosomal recessive inheritance.

Literature cited by the submitters: PubMed 34298581.

NM_001875.5(CPS1):c.1164+2T>C

Gene: CPS1 (carbamoyl-phosphate synthase 1; plus strand). Cytogenetic location: 2q34.
Variant type: single nucleotide variant.
Coding change: c.1164+2T>C on transcript NM_001875.5 (MANE Select); the canonical splice donor site of the intron after coding-DNA position 1164, T replaced by C.
Molecular consequence: splice donor variant.
Genome position (GRCh38, 1-based): chr2:210,592,958, T>C. VCF-style: chr2-210592958-T-C. GRCh37 (hg19) VCF-style: chr2-211457682-T-C.
Other names: c.1164+2T>C (NM_001369257.1, NM_001122633.3); c.1197+2T>C (NM_001369256.1).
Identifiers: ClinVar variation 1172776 (VCV001172776.2), dbSNP rs2106113312, ClinGen allele CA350431030.